The following is an entry in ClinVar:

NM_001458.5(FLNC):c.2353A>G (p.Thr785Ala)

Gene: FLNC (filamin C; plus strand). Cytogenetic location: 7q32.1.
Variant type: single nucleotide variant.
Coding change: c.2353A>G on transcript NM_001458.5 (MANE Select); coding-DNA position 2353, A replaced by G.
Protein change: p.Thr785Ala; replaces threonine 785 with alanine.
Molecular consequence: missense variant.
Genome position (GRCh38, 1-based): chr7:128,842,662, A>G. VCF-style: chr7-128842662-A-G. GRCh37 (hg19) VCF-style: chr7-128482716-A-G.
Other names: c.2353A>G, p.Thr785Ala (NM_001127487.2); short protein forms T785A.
Identifiers: ClinVar variation 967136 (VCV000967136.10), dbSNP rs1808384296, ClinGen allele CA369191320.
Genomic context (GRCh38, chr7:128,842,662, plus strand): 5'-GAGCGGGTAAAGGTGTACGGCCCCGGAGTGGAGAAGACAGGCCTCAAGGCCAATGAGCCC[A>G]CCTACTTCACGGTGGACTGCAGCGAGGCGGGGCAAGGTGCGCCCAGCCGGAAGGGGTGGG-3'
Protein context (NP_001449.3, residues 775-795): EKTGLKANEP[Thr785Ala]YFTVDCSEAG

ClinVar aggregate classification (germline): Uncertain significance (1 of 4 stars; one submission).

Conditions:
Myofibrillar myopathy 5. Also called: FILAMINOPATHY, AUTOSOMAL DOMINANT; Filaminopathy (type). Identifiers: Orphanet 171445, MedGen C1836050, MONDO:0012289, OMIM 609524.
Distal myopathy with posterior leg and anterior hand involvement. Also called: WILLIAMS DISTAL MYOPATHY. Identifiers: Orphanet 63273, MedGen C3279722, MONDO:0013550, OMIM 614065.
Hypertrophic cardiomyopathy 26. Also called: Cardiomyopathy, familial hypertrophic, 26. Identifiers: Orphanet 75249, MedGen C4310749, MONDO:0014883, OMIM 617047.

Allele frequency attached by ClinVar (database versions not stated): gnomAD exomes below 0.00001; gnomAD 0.00001.
gnomAD v4.1: 2 of 1,552,582 alleles (0.00013%); highest among the groups gnomAD compares: African/African-American, 0.0014%; no homozygotes.

Submission:

Labcorp Genetics (formerly Invitae), Labcorp
Classification: Uncertain significance for Distal myopathy with posterior leg and anterior hand involvement; Myofibrillar myopathy 5; Hypertrophic cardiomyopathy 26. Last evaluated: 2024-09-06. Review status: criteria provided, single submitter. Criteria: Invitae Variant Classification Sherloc (09022015). Collection method: clinical testing. Allele origin: germline.
Comment: This sequence change replaces threonine, which is neutral and polar, with alanine, which is neutral and non-polar, at codon 785 of the FLNC protein (p.Thr785Ala). This variant is not present in population databases (gnomAD no frequency). This variant has not been reported in the literature in individuals affected with FLNC-related conditions. ClinVar contains an entry for this variant (Variation ID: 967136). Invitae Evidence Modeling of protein sequence and biophysical properties (such as structural, functional, and spatial information, amino acid conservation, physicochemical variation, residue mobility, and thermodynamic stability) has been performed for this missense variant. However, the output from this modeling did not meet the statistical confidence thresholds required to predict the impact of this variant on FLNC protein function. In summary, the available evidence is currently insufficient to determine the role of this variant in disease. Therefore, it has been classified as a Variant of Uncertain Significance.